The following is an entry in ClinVar:

ClinVar aggregate classification (germline): Pathogenic/Likely pathogenic. Review status: criteria provided, multiple submitters, no conflicts (2 of 4 stars). 3 submissions from 3 submitters: Pathogenic (2); Likely pathogenic (1). Last evaluated 2025-10-21.

Conditions:
Inherited phaeochromocytoma and paraganglioma excluding NF1.
Pheochromocytoma. Also called: MAX-Related Hereditary Paraganglioma-Pheochromocytoma Syndrome. Identifiers: Orphanet 29072, MedGen C0031511, MONDO:0008233, OMIM 171300, HP:0002666.
Paragangliomas with sensorineural hearing loss. Identifiers: MedGen C1868633.
Carney-Stratakis syndrome. Also called: PARAGANGLIOMA AND GASTROINTESTINAL STROMAL TUMOR. Identifiers: Orphanet 97286, MedGen C1847319, MONDO:0011740, OMIM 606864.
Cowden syndrome 3 (CWS3). Identifiers: Orphanet 201, MedGen CN166604, MONDO:0014045.
Hereditary cancer-predisposing syndrome. Also called: Neoplastic Syndromes, Hereditary; Tumor predisposition; Hereditary neoplastic syndrome; Hereditary Cancer Syndrome. Identifiers: Orphanet 140162, MedGen C0027672, MeSH D009386, MONDO:0015356.

Submissions (4):

NHS Central & South Genomic Laboratory Hub
Classification: Likely pathogenic for Inherited phaeochromocytoma and paraganglioma excluding NF1. Last evaluated: 2025-10-21. Review status: criteria provided, single submitter. Criteria: ACMG Guidelines, 2015. Collection method: clinical testing. Allele origin: germline. Affected: yes.

Ambry Genetics
Classification: Pathogenic for Hereditary cancer-predisposing syndrome. Last evaluated: 2025-02-19. Review status: criteria provided, single submitter. Criteria: Ambry Variant Classification Scheme 2023. Collection method: clinical testing. Allele origin: germline.
Comment: The c.52+1G>A intronic pathogenic mutation results from a G to A substitution one nucleotide after coding exon 1 of the SDHD gene. This variant has been observed in individuals with a personal and/or family history that is consistent with SDHD-related paraganglioma-pheochromocytoma syndrome (Ambry internal data). This variant is considered to be rare based on population cohorts in the Genome Aggregation Database (gnomAD). This nucleotide position is highly conserved in available vertebrate species. In silico splice site analysis predicts that this alteration will weaken the native splice donor site and will result in the creation or strengthening of a novel splice donor site; however, direct evidence is insufficient at this time (Ambry internal data). Alterations that disrupt the canonical splice site are expected to cause aberrant splicing, resulting in an abnormal protein or a transcript that is subject to nonsense-mediated mRNA decay. Based on the supporting evidence, this variant is interpreted as a disease-causing mutation.

Labcorp Genetics (formerly Invitae), Labcorp
Classification: Pathogenic for Carney-Stratakis syndrome; Paragangliomas with sensorineural hearing loss; Pheochromocytoma; Cowden syndrome 3. Last evaluated: 2024-03-13. Review status: criteria provided, single submitter. Criteria: Invitae Variant Classification Sherloc (09022015). Collection method: clinical testing. Allele origin: germline.
Comment: This sequence change affects a donor splice site in intron 1 of the SDHD gene. It is expected to disrupt RNA splicing. Variants that disrupt the donor or acceptor splice site typically lead to a loss of protein function (PMID: 16199547), and loss-of-function variants in SDHD are known to be pathogenic (PMID: 19454582, 19802898). This variant is not present in population databases (gnomAD no frequency). Disruption of this splice site has been observed in individuals with paraganglioma (Invitae). ClinVar contains an entry for this variant (Variation ID: 825543). Algorithms developed to predict the effect of sequence changes on RNA splicing suggest that this variant may disrupt the consensus splice site. For these reasons, this variant has been classified as Pathogenic.

Dr. Peter K. Rogan Lab, Western University
No classification provided (evidence only). Condition: Thyroid cancer, nonmedullary, 1. Review status: no classification provided. Collection method: in vitro. Allele origin: not applicable. Functional consequence: retained intron. Not counted in ClinVar's aggregate classification.

Literature cited by the submitters: PubMed 16199547 (cited by Labcorp Genetics (formerly Invitae), Labcorp); PubMed 19454582 (cited by Labcorp Genetics (formerly Invitae), Labcorp); PubMed 19802898 (cited by Labcorp Genetics (formerly Invitae), Labcorp).

NM_003002.4(SDHD):c.52+1G>A

Genes: SDHD (succinate dehydrogenase complex subunit D; plus strand), LOC126861339 (BRD4-independent group 4 enhancer GRCh37_chr11:111957035-111958234; plus strand). Cytogenetic location: 11q23.1.
Variant type: single nucleotide variant.
Coding change: c.52+1G>A on transcript NM_003002.4 (MANE Select); the canonical splice donor site of the intron after coding-DNA position 52, G replaced by A.
Molecular consequence: splice donor variant.
Genome position (GRCh38, 1-based): chr11:112,086,960, G>A. VCF-style: chr11-112086960-G-A. GRCh37 (hg19) VCF-style: chr11-111957684-G-A.
Other names: c.52+1G>A (NM_001276506.2, NM_001276503.2, NM_001276504.2).
Identifiers: ClinVar variation 825543 (VCV000825543.14), dbSNP rs1592777386, ClinGen allele CA382616773.